The following is an entry in ClinVar:

ClinVar aggregate classification (germline): Pathogenic (1 of 4 stars; one submission).

Conditions:
Danon disease. Also called: PSEUDOGLYCOGENOSIS II; GSD IIb; LYSOSOMAL GLYCOGEN STORAGE DISEASE WITHOUT ACID MALTASE DEFICIENCY; ANTOPOL DISEASE; Glycogen Storage Disease Type IIb. Identifiers: Orphanet 34587, MedGen C0878677, MONDO:0010281, OMIM 300257.

Submission:

Laboratory for Molecular Medicine, Mass General Brigham Personalized Medicine
Classification: Pathogenic for Danon disease. Last evaluated: 2015-03-18. Review status: criteria provided, single submitter. Criteria: LMM Criteria. Collection method: clinical testing. Allele origin: germline. Inheritance: X-linked inheritance. Observed: 1 variant allele.
Comment: The p.Trp98X variant in LAMP2 was absent from large population studies but has b een reported in 2 individuals with Danon disease and segregated with disease in 5 affected relatives from 1 family (Fanin 2006, Spinazzi 2008, Miani 2012). Loss of function of the LAMP2 gene is an established disease mechanism in individuals with Danon disease. In summary, this variant me ets our criteria to be classified as pathogenic for Danon disease in X-linked do minant manner based upon its functional impact and segregation in affected individuals.

Literature cited by the submitters: PubMed 18312451; PubMed 16565504; PubMed 22074992.

NM_002294.3(LAMP2):c.294G>A (p.Trp98Ter)

Gene: LAMP2 (lysosome associated membrane protein 2; minus strand). Cytogenetic location: Xq24.
Variant type: single nucleotide variant.
Coding change: c.294G>A on transcript NM_002294.3 (MANE Select); coding-DNA position 294, G replaced by A.
Protein change: p.Trp98Ter; replaces tryptophan 98 with a stop codon.
Molecular consequence: nonsense.
Genome position (GRCh38, 1-based): chrX:120,455,460, C>T on the plus strand (G>A on the coding strand, the complement: LAMP2 is on the minus strand). VCF-style: chrX-120455460-C-T. GRCh37 (hg19) VCF-style: chrX-119589315-C-T.
Other names: c.294G>A, p.Trp98Ter (NM_013995.2, NM_001122606.1); short protein forms W98*.
Identifiers: ClinVar variation 228356 (VCV000228356.7), dbSNP rs876657696, ClinGen allele CA10577161.